The following is an entry in ClinVar:

NM_000287.4(PEX6):c.187G>T (p.Gly63Cys)

Gene: PEX6 (peroxisomal biogenesis factor 6; minus strand). Cytogenetic location: 6p21.1.
Variant type: single nucleotide variant.
Coding change: c.187G>T on transcript NM_000287.4 (MANE Select); coding-DNA position 187, G replaced by T.
Protein change: p.Gly63Cys; replaces glycine 63 with cysteine.
Molecular consequence: missense variant. On other transcripts: non-coding transcript variant (1).
Genome position (GRCh38, 1-based): chr6:42,978,964, C>A on the plus strand (G>T on the coding strand, the complement: PEX6 is on the minus strand). VCF-style: chr6-42978964-C-A. GRCh37 (hg19) VCF-style: chr6-42946702-C-A.
Other names: c.187G>T, p.Gly63Cys (NM_001316313.2); short protein forms G63C.
Identifiers: ClinVar variation 2112717 (VCV002112717.4), dbSNP rs958375823, ClinGen allele CA364168358.

ClinVar aggregate classification (germline): Uncertain significance (1 of 4 stars; one submission).

Conditions:
Peroxisome biogenesis disorder. Identifiers: Orphanet 79189, MedGen C1832200, MONDO:0019234. Disease mechanism: loss of function.

gnomAD v4.1: 1 of 1,497,438 alleles (0.000067%); highest among the groups gnomAD compares: East Asian, 0.0027%; no homozygotes.

Submission:

Labcorp Genetics (formerly Invitae), Labcorp
Classification: Uncertain significance for Peroxisome biogenesis disorder. Last evaluated: 2023-08-17. Review status: criteria provided, single submitter. Criteria: Invitae Variant Classification Sherloc (09022015). Collection method: clinical testing. Allele origin: germline.
Comment: This sequence change replaces glycine, which is neutral and non-polar, with cysteine, which is neutral and slightly polar, at codon 63 of the PEX6 protein (p.Gly63Cys). In summary, the available evidence is currently insufficient to determine the role of this variant in disease. Therefore, it has been classified as a Variant of Uncertain Significance. An algorithm developed to predict the effect of missense changes on protein structure and function (PolyPhen-2) suggests that this variant is likely to be tolerated. ClinVar contains an entry for this variant (Variation ID: 2112717). This variant has not been reported in the literature in individuals affected with PEX6-related conditions. This variant is not present in population databases (gnomAD no frequency).